The following is an entry in ClinVar:

ClinVar aggregate classification (germline): Uncertain significance (0 of 4 stars; one submission).

Conditions:
Familial cardiomyopathy. Identifiers: MedGen C0264789, MONDO:0005217.

Allele frequency attached by ClinVar (database versions not stated): gnomAD exomes below 0.00001.
gnomAD v4.1: 3 of 1,614,152 alleles (0.00019%); highest among the groups gnomAD compares: Non-Finnish European, 0.00025%; no homozygotes.

Submission:

Evolutionary and Medical Genetics Laboratory,  Centre for Cellular and Molecular Biology
Classification: Uncertain significance. Review status: no assertion criteria provided. Collection method: not provided. Allele origin: unknown.
ClinVar note: Converted during submission from unknown to Uncertain significance.

NM_000257.4(MYH7):c.639+28T>A

Gene: MYH7 (myosin heavy chain 7; minus strand). Cytogenetic location: 14q11.2.
Variant type: single nucleotide variant.
Coding change: c.639+28T>A on transcript NM_000257.4 (MANE Select); 28 bases into the intron after coding-DNA position 639, T replaced by A.
Molecular consequence: intron variant.
Genome position (GRCh38, 1-based): chr14:23,431,733, A>T on the plus strand (T>A on the coding strand, the complement: MYH7 is on the minus strand). VCF-style: chr14-23431733-A-T. GRCh37 (hg19) VCF-style: chr14-23900942-A-T.
Identifiers: ClinVar variation 132936 (VCV000132936.2), dbSNP rs606231314, ClinGen allele CA016585.